The following is an entry in ClinVar:

NM_006767.4(LZTR1):c.2225T>C (p.Leu742Ser)

Gene: LZTR1 (leucine zipper like post translational regulator 1; plus strand). Cytogenetic location: 22q11.21.
Variant type: single nucleotide variant.
Coding change: c.2225T>C on transcript NM_006767.4 (MANE Select); coding-DNA position 2225, T replaced by C.
Protein change: p.Leu742Ser; replaces leucine 742 with serine.
Molecular consequence: missense variant.
Genome position (GRCh38, 1-based): chr22:20,996,701, T>C. VCF-style: chr22-20996701-T-C. GRCh37 (hg19) VCF-style: chr22-21350990-T-C.
Other names: short protein forms L742S.
Identifiers: ClinVar variation 2775464 (VCV002775464.4), dbSNP rs2518625612, ClinGen allele CA410780731.

ClinVar aggregate classification (germline): Uncertain significance. Review status: criteria provided, multiple submitters, no conflicts (2 of 4 stars). 2 submissions from 2 submitters: Uncertain significance (2). Last evaluated 2025-10-16.

Conditions:
Noonan syndrome 10 (NS10). Identifiers: Orphanet 648, MedGen C4225280, MONDO:0014693, OMIM 616564.

Submissions (2):

3billion
Classification: Uncertain significance for Noonan syndrome 10. Last evaluated: 2025-10-16. Review status: criteria provided, single submitter. Criteria: ACMG Guidelines, 2015. Collection method: clinical testing. Allele origin: germline. Affected: yes.
Comment: The variant is not observed in the gnomAD v4.1.0 dataset. Predicted Consequence/Location: Missense variant In silico tool predictions suggest damaging effect of the variant on gene or gene product [REVEL: 0.88 (>=0.6, sensitivity 0.68 and specificity 0.92); 3Cnet: 0.94 (> 0.75, sensitivity 0.96 and precision 0.92)]. The variant has been reported as of uncertain significance (ClinVar ID: VCV002775464). Different missense changes at the same codon have been reported as of uncertain significance (ClinVar ID: VCV002819171). Therefore, this variant is classified as VUS according to the recommendation of ACMG/AMP guideline.

Labcorp Genetics (formerly Invitae), Labcorp
Classification: Uncertain significance. Last evaluated: 2023-04-16. Review status: criteria provided, single submitter. Criteria: Invitae Variant Classification Sherloc (09022015). Collection method: clinical testing. Allele origin: germline.
Comment: This variant has not been reported in the literature in individuals affected with LZTR1-related conditions. In summary, the available evidence is currently insufficient to determine the role of this variant in disease. Therefore, it has been classified as a Variant of Uncertain Significance. Advanced modeling of protein sequence and biophysical properties (such as structural, functional, and spatial information, amino acid conservation, physicochemical variation, residue mobility, and thermodynamic stability) performed at Invitae indicates that this missense variant is not expected to disrupt LZTR1 protein function. This variant is not present in population databases (gnomAD no frequency). This sequence change replaces leucine, which is neutral and non-polar, with serine, which is neutral and polar, at codon 742 of the LZTR1 protein (p.Leu742Ser).